The following is an entry in ClinVar:

NM_014053.4(FLVCR1):c.806T>C (p.Leu269Pro)

Gene: FLVCR1 (FLVCR choline and heme transporter 1; plus strand). Cytogenetic location: 1q32.3.
Variant type: single nucleotide variant.
Coding change: c.806T>C on transcript NM_014053.4 (MANE Select); coding-DNA position 806, T replaced by C.
Protein change: p.Leu269Pro; replaces leucine 269 with proline.
Molecular consequence: missense variant.
Genome position (GRCh38, 1-based): chr1:212,863,792, T>C. VCF-style: chr1-212863792-T-C. GRCh37 (hg19) VCF-style: chr1-213037134-T-C.
Other names: short protein forms L269P.
Identifiers: ClinVar variation 1297162 (VCV001297162.2), dbSNP rs2102536303, ClinGen allele CA344790009.

ClinVar aggregate classification (germline): Uncertain significance (1 of 4 stars; one submission).

Conditions:
Retinitis pigmentosa (RP). Identifiers: Orphanet 791, MedGen C0035334, MeSH D012174, MONDO:0019200, OMIM 268000. Inheritance: Autosomal dominant, autosomal recessive and X linked inheritance.

Submission:

Broad Center for Mendelian Genomics, Broad Institute of MIT and Harvard
Classification: Uncertain significance for Retinitis pigmentosa. Last evaluated: 2021-04-01. Review status: criteria provided, single submitter. Criteria: ACMG Guidelines, 2015. Collection method: curation. Allele origin: germline. Inheritance: Autosomal recessive inheritance. Affected: yes.
Comment: Through a review of available evidence we were able to apply the following criteria: PM2. Based on this evidence we have classified this variant as a Variant of Uncertain Significance. If you have any questions about the classification please reach out to the Pierce Lab.

Literature cited by the submitters: PubMed 34906470.